The following is an entry in ClinVar:

ClinVar aggregate classification (germline): Likely benign (1 of 4 stars; one submission).

Conditions:
Chopra-Amiel-Gordon syndrome (CAGS). Also called: ANKRD17-Related Neurodevelopmental Syndrome. Identifiers: MedGen C5561975, MONDO:0859186, OMIM 619504.

gnomAD v4.1: 40 of 1,609,274 alleles (0.0025%); highest among the groups gnomAD compares: South Asian, 0.022%; no homozygotes.

Submission:

Centre for Medical Genetics,  Mumbai
Classification: Likely benign for Chopra-Amiel-Gordon syndrome. Last evaluated: 2026-04-20. Review status: criteria provided, single submitter. Criteria: ACMG Guidelines, 2015. Collection method: provider interpretation. Allele origin: germline. Inheritance: Autosomal dominant inheritance. Affected: no. Observed: 1 variant allele, 1 heterozygote.
Comment: The variant satisfies PM2 criteria - extremely low frequency in gnomAD population databases. The variant satisfies PP2 criteria - missense variant in a gene with low rate of benign missense mutations and for which missense mutation is a common mechanism of a disease. However, the variant satisfies BS2 criteria - present in heterozygous state in an individual that clinically does not have Chopra-Amiel-Gordon syndrome.

Literature cited by the submitters: PubMed 33909992.

NM_032217.5(ANKRD17):c.7751C>T (p.Thr2584Met)

Gene: ANKRD17 (ankyrin repeat domain 17; minus strand). Cytogenetic location: 4q13.3.
Variant type: single nucleotide variant.
Coding change: c.7751C>T on transcript NM_032217.5 (MANE Select); coding-DNA position 7751, C replaced by T.
Protein change: p.Thr2584Met; replaces threonine 2584 with methionine.
Molecular consequence: missense variant.
Genome position (GRCh38, 1-based): chr4:73,076,941, G>A on the plus strand (C>T on the coding strand, the complement: ANKRD17 is on the minus strand). VCF-style: chr4-73076941-G-A. GRCh37 (hg19) VCF-style: chr4-73942658-G-A.
Other names: c.7412C>T, p.Thr2471Met (NM_001286771.3); c.7748C>T, p.Thr2583Met (NM_015574.2); c.6998C>T, p.Thr2333Met (NM_198889.3); short protein forms T2333M, T2471M, T2583M, T2584M.
Identifiers: ClinVar variation 4851555 (VCV004851555.1).